The following is an entry in ClinVar:

NM_001374385.1(ATP8B1):c.*283G>A

Genes: ATP8B1 (ATPase phospholipid transporting 8B1; minus strand), ATP8B1-AS1 (ATP8B1 antisense RNA 1; plus strand). Cytogenetic location: 18q21.31.
Variant type: single nucleotide variant.
Coding change: c.*283G>A on transcript NM_001374385.1 (MANE Select); 283 bases downstream of the stop codon, G replaced by A.
Molecular consequence: 3 prime UTR variant.
Genome position (GRCh38, 1-based): chr18:57,648,205, C>T on the plus strand (G>A on the coding strand, the complement: ATP8B1 is on the minus strand). VCF-style: chr18-57648205-C-T. GRCh37 (hg19) VCF-style: chr18-55315437-C-T.
Other names: c.*283G>A (NM_001374386.1, NM_005603.6).
Identifiers: ClinVar variation 327462 (VCV000327462.7), dbSNP rs11152024, ClinGen allele CA10651143.

ClinVar aggregate classification (germline): Benign. Review status: criteria provided, multiple submitters, no conflicts (2 of 4 stars). 3 submissions from 3 submitters: Benign (3). Last evaluated 2018-11-10.

Conditions:
Progressive familial intrahepatic cholestasis type 1. Also called: BYLER DISEASE; Byler's disease; Severe ATP8B1 Deficiency (Progressive Familial Intrahepatic Cholestasis Type 1 [PFIC1]). Identifiers: Orphanet 79306, MedGen C4551898, MONDO:0008892, OMIM 211600.

Allele frequency attached by ClinVar (database versions not stated): gnomAD 0.07759 and 0.08323; TOPMed 0.08947; gnomAD exomes 0.10100; 1000 Genomes Project 30x 0.13351; 1000 Genomes Project 0.13838.
gnomAD v4.1: 49,497 of 519,510 alleles (9.5%); highest among the groups gnomAD compares: East Asian, 36%; 4,027 homozygotes.

Submissions (3):

GeneDx
Classification: Benign. Last evaluated: 2018-11-10. Review status: criteria provided, single submitter. Criteria: GeneDx Variant Classification Process June 2021. Collection method: clinical testing. Allele origin: germline. Affected: yes.

Illumina Laboratory Services, Illumina
Classification: Benign for Progressive familial intrahepatic cholestasis type 1. Last evaluated: 2018-01-12. Review status: criteria provided, single submitter. Criteria: ICSL Variant Classification Criteria 13 December 2019. Collection method: clinical testing. Allele origin: germline.
Comment: This variant was observed in the ICSL laboratory as part of a predisposition screen in an ostensibly healthy population. It had not been previously curated by ICSL or reported in the Human Gene Mutation Database (HGMD: prior to June 1st, 2018), and was therefore a candidate for classification through an automated scoring system. Utilizing variant allele frequency, disease prevalence and penetrance estimates, and inheritance mode, an automated score was calculated to assess if this variant is too frequent to cause the disease. Based on the score and internal cut-off values, a variant classified as benign is not then subjected to further curation. The score for this variant resulted in a classification of benign for this disease.

Breakthrough Genomics
Classification: Benign. Review status: criteria provided, single submitter. Criteria: ACMG Guidelines, 2015. Collection method: not provided. Allele origin: germline. Inheritance: Autosomal recessive inheritance. Affected: yes.